The following is an entry in ClinVar:

NM_001199397.3(NEK1):c.1429A>G (p.Arg477Gly)

Gene: NEK1 (NIMA related kinase 1; minus strand). Cytogenetic location: 4q33.
Variant type: single nucleotide variant.
Coding change: c.1429A>G on transcript NM_001199397.3 (MANE Select); coding-DNA position 1429, A replaced by G.
Protein change: p.Arg477Gly; replaces arginine 477 with glycine.
Molecular consequence: missense variant. On other transcripts: non-coding transcript variant (1).
Genome position (GRCh38, 1-based): chr4:169,555,933, T>C on the plus strand (A>G on the coding strand, the complement: NEK1 is on the minus strand). VCF-style: chr4-169555933-T-C. GRCh37 (hg19) VCF-style: chr4-170477084-T-C.
Other names: c.1429A>G, p.Arg477Gly (NM_001199398.3, NM_001199400.3, NM_001374418.1 and 2 more transcripts); c.1354A>G, p.Arg452Gly (NM_001199399.3); c.1378A>G, p.Arg460Gly (NM_001374420.1); c.1303A>G, p.Arg435Gly (NM_001374421.1); short protein forms R435G, R460G, R452G, R477G.
Identifiers: ClinVar variation 2138829 (VCV002138829.4), dbSNP rs1396744240, ClinGen allele CA358733841.

ClinVar aggregate classification (germline): Uncertain significance (1 of 4 stars; one submission).

Conditions:
Short-rib thoracic dysplasia 6 with or without polydactyly (SRTD6). Also called: POLYDACTYLY WITH NEONATAL CHONDRODYSTROPHY, TYPE II; SHORT-RIB THORACIC DYSPLASIA 6 WITH POLYDACTYLY; SHORT-RIB THORACIC DYSPLASIA 6 WITHOUT POLYDACTYLY; Majewski Syndrome; SHORT RIB-POLYDACTYLY SYNDROME, TYPE IIA. Identifiers: MedGen C0024507, MONDO:0009894, OMIM 263520.

Allele frequency attached by ClinVar (database versions not stated): gnomAD 0.00001; gnomAD exomes 0.00001.
gnomAD v4.1: 9 of 1,613,404 alleles (0.00056%); highest among the groups gnomAD compares: Admixed American, 0.0033%; no homozygotes.

Submission:

Labcorp Genetics (formerly Invitae), Labcorp
Classification: Uncertain significance for Short-rib thoracic dysplasia 6 with or without polydactyly. Last evaluated: 2022-12-06. Review status: criteria provided, single submitter. Criteria: Invitae Variant Classification Sherloc (09022015). Collection method: clinical testing. Allele origin: germline.
Comment: This variant has not been reported in the literature in individuals affected with NEK1-related conditions. This variant is present in population databases (no rsID available, gnomAD 0.1%). This sequence change replaces arginine, which is basic and polar, with glycine, which is neutral and non-polar, at codon 477 of the NEK1 protein (p.Arg477Gly). Algorithms developed to predict the effect of missense changes on protein structure and function are either unavailable or do not agree on the potential impact of this missense change (SIFT: "Tolerated"; PolyPhen-2: "Probably Damaging"; Align-GVGD: "Class C0"). In summary, the available evidence is currently insufficient to determine the role of this variant in disease. Therefore, it has been classified as a Variant of Uncertain Significance. Algorithms developed to predict the effect of sequence changes on RNA splicing suggest that this variant may disrupt the consensus splice site.